The following is an entry in ClinVar:

NM_001080432.3(FTO):c.*1215G>T

Gene: FTO (FTO alpha-ketoglutarate dependent dioxygenase; plus strand). Cytogenetic location: 16q12.2.
Variant type: single nucleotide variant.
Coding change: c.*1215G>T on transcript NM_001080432.3 (MANE Select); 1215 bases downstream of the stop codon, G replaced by T.
Molecular consequence: 3 prime UTR variant.
Genome position (GRCh38, 1-based): chr16:54,113,130, G>T. VCF-style: chr16-54113130-G-T. GRCh37 (hg19) VCF-style: chr16-54147042-G-T.
Other names: c.*1215G>T (NM_001363891.2, NM_001363894.2, NM_001363896.2 and 6 more transcripts); c.*1333G>T (NM_001363903.2); c.*1391G>T (NM_001363988.2).
Identifiers: ClinVar variation 885903 (VCV000885903.4), dbSNP rs570294299, ClinGen allele CA281991300.

ClinVar aggregate classification (germline): Likely benign (1 of 4 stars; one submission).

Conditions:
Lethal polymalformative syndrome, Boissel type. Also called: GROWTH RETARDATION, DEVELOPMENTAL DELAY, AND FACIAL DYSMORPHISM. Identifiers: Orphanet 210144, MedGen C2752001, MONDO:0013050, OMIM 612938.

Allele frequency attached by ClinVar (database versions not stated): 1000 Genomes Project 30x 0.00062; 1000 Genomes Project 0.00080; TOPMed 0.00164; gnomAD 0.00202 and 0.00203; gnomAD exomes 0.03846.
gnomAD v4.1: 304 of 152,300 alleles (0.2%); highest among the groups gnomAD compares: Middle Eastern, 1.7%; 2 homozygotes.

Submission:

Illumina Laboratory Services, Illumina
Classification: Likely benign for Lethal polymalformative syndrome, Boissel type. Last evaluated: 2018-01-13. Review status: criteria provided, single submitter. Criteria: ICSL Variant Classification Criteria 13 December 2019. Collection method: clinical testing. Allele origin: germline.
Comment: This variant was observed in the ICSL laboratory as part of a predisposition screen in an ostensibly healthy population. It had not been previously curated by ICSL or reported in the Human Gene Mutation Database (HGMD: prior to June 1st, 2018), and was therefore a candidate for classification through an automated scoring system. Utilizing variant allele frequency, disease prevalence and penetrance estimates, and inheritance mode, an automated score was calculated to assess if this variant is too frequent to cause the disease. Based on the score and internal cut-off values, a variant classified as likely benign is not then subjected to further curation. The score for this variant resulted in a classification of likely benign for this disease.